The following is an entry in ClinVar:

ClinVar aggregate classification (germline): Uncertain significance. Review status: criteria provided, multiple submitters, no conflicts (2 of 4 stars). 2 submissions from 2 submitters: Uncertain significance (2). Last evaluated 2024-09-30.

Conditions:
Landau-Kleffner syndrome (FESD). Also called: EPILEPSY, FOCAL, WITH SPEECH DISORDER AND WITH OR WITHOUT MENTAL RETARDATION; APHASIA, ACQUIRED, WITH EPILEPSY. Identifiers: Orphanet 1945, Orphanet 725, Orphanet 98818, MedGen C0282512, MONDO:0009509, OMIM 245570.

gnomAD v4.1: 2 of 1,613,056 alleles (0.00012%); highest among the groups gnomAD compares: East Asian, 0.0022%; no homozygotes.

Submissions (2):

Labcorp Genetics (formerly Invitae), Labcorp
Classification: Uncertain significance for Landau-Kleffner syndrome. Last evaluated: 2024-09-30. Review status: criteria provided, single submitter. Criteria: Invitae Variant Classification Sherloc (09022015). Collection method: clinical testing. Allele origin: germline.
Comment: This sequence change replaces asparagine, which is neutral and polar, with threonine, which is neutral and polar, at codon 447 of the GRIN2A protein (p.Asn447Thr). This variant is not present in population databases (gnomAD no frequency). This variant has not been reported in the literature in individuals affected with GRIN2A-related conditions. ClinVar contains an entry for this variant (Variation ID: 1302422). Invitae Evidence Modeling of protein sequence and biophysical properties (such as structural, functional, and spatial information, amino acid conservation, physicochemical variation, residue mobility, and thermodynamic stability) indicates that this missense variant is not expected to disrupt GRIN2A protein function with a negative predictive value of 95%. In summary, the available evidence is currently insufficient to determine the role of this variant in disease. Therefore, it has been classified as a Variant of Uncertain Significance.

GeneDx
Classification: Uncertain significance. Last evaluated: 2021-03-25. Review status: criteria provided, single submitter. Criteria: GeneDx Variant Classification Process June 2021. Collection method: clinical testing. Allele origin: germline. Affected: yes.
Comment: Has not been previously published as pathogenic or benign to our knowledge; In silico analysis supports that this missense variant does not alter protein structure/function; Not observed in large population cohorts (Lek et al., 2016)

NM_001134407.3(GRIN2A):c.1340A>C (p.Asn447Thr)

Gene: GRIN2A (glutamate ionotropic receptor NMDA type subunit 2A; minus strand). Cytogenetic location: 16p13.2.
Variant type: single nucleotide variant.
Coding change: c.1340A>C on transcript NM_001134407.3 (MANE Select); coding-DNA position 1340, A replaced by C.
Protein change: p.Asn447Thr; replaces asparagine 447 with threonine.
Molecular consequence: missense variant.
Genome position (GRCh38, 1-based): chr16:9,841,093, T>G on the plus strand (A>C on the coding strand, the complement: GRIN2A is on the minus strand). VCF-style: chr16-9841093-T-G. GRCh37 (hg19) VCF-style: chr16-9934950-T-G.
Other names: c.1340A>C, p.Asn447Thr (NM_001134408.2, NM_000833.5); short protein forms N447T.
Identifiers: ClinVar variation 1302422 (VCV001302422.5), dbSNP rs367543145, ClinGen allele CA394800876.
Genomic context (GRCh38, chr16:9,841,093, plus strand): 5'-AGCTTCTTCAGAATATCAATGCAGAACCCCTTGCAGCATTTCTTCACATTCATCCCCTCA[T>G]TGGTTGAATTGCTGTAAAGAAAAACCCCAAGACCACAGAATGTTAGCACTGGAAGGTTTG-3'
Protein context (NP_001127879.1, residues 437-457): RKFVKINNST[Asn447Thr]EGMNVKKCCK